The following is an entry in ClinVar:

NM_005633.4(SOS1):c.844T>C (p.Cys282Arg)

Gene: SOS1 (SOS Ras/Rac guanine nucleotide exchange factor 1; minus strand). Cytogenetic location: 2p22.1.
Variant type: single nucleotide variant.
Coding change: c.844T>C on transcript NM_005633.4 (MANE Select); coding-DNA position 844, T replaced by C.
Protein change: p.Cys282Arg; replaces cysteine 282 with arginine.
Molecular consequence: missense variant.
Genome position (GRCh38, 1-based): chr2:39,051,164, A>G on the plus strand (T>C on the coding strand, the complement: SOS1 is on the minus strand). VCF-style: chr2-39051164-A-G. GRCh37 (hg19) VCF-style: chr2-39278305-A-G.
Other names: c.823T>C, p.Cys275Arg (NM_001382394.1); c.844T>C, p.Cys282Arg (NM_001382395.1); short protein forms C282R, C275R.
Identifiers: ClinVar variation 830078 (VCV000830078.6), dbSNP rs1671004485, ClinGen allele CA346367589.

ClinVar aggregate classification (germline): Uncertain significance. Review status: reviewed by expert panel (3 of 4 stars). 3 submissions from 3 submitters: Uncertain significance (1). 2 of the submissions do not count toward it. Last evaluated 2025-01-10.

Conditions:
RASopathy. Also called: Noonan spectrum disorder; rasopathies. Identifiers: Orphanet 536391, MedGen C5555857, MONDO:0021060.
Noonan syndrome 4 (NS4). Also called: SOS1-Related Noonan Syndrome; NOONAN SYNDROME WITH PIGMENTED VILLONODULAR SYNOVITIS. Identifiers: Orphanet 648, MedGen C1853120, MONDO:0012547, OMIM 610733.

Allele frequency attached by ClinVar (database versions not stated): gnomAD exomes below 0.00001.
gnomAD v4.1: 1 of 1,613,836 alleles (0.000062%); highest among the groups gnomAD compares: Non-Finnish European, 0.000085%; no homozygotes.

Submissions (3):

ClinGen RASopathy Variant Curation Expert Panel
Classification: Uncertain significance for RASopathy. Last evaluated: 2025-01-10. Review status: reviewed by expert panel. Criteria: ClinGen RASopathy ACMG Specifications SOS1 V2.3.0. Collection method: curation. Allele origin: germline. Inheritance: Autosomal dominant inheritance.
Comment: The NM_005633.4:c.844T>C variant in SOS1 is a missense variant predicted to cause substitution of cysteine by arginine at amino acid 282 (p.Cys282Arg). The variant is absent from gnomAD v2.1.1 (PM2_Supporting). The computational prediction tool REVEL gives a score of 0.741 suggesting that this variant may impact protein function (PP3). It has been reported in two probands with a RASopathy (PS4_Supporting; GeneDx, ClinVar SCV001986888.2; Harvey Institute for Human Genetics internal data). In vitro functional studies showed that this variant increased EGF-dependent MAPK activation in amplitude and duration compared to wild-type (PS3_Supporting; PMID: 17339331). In summary, this variant meets criteria to be classified as variant of uncertain significance for autosomal dominant RASopathy based on ACMG/AMP criteria applied, as specified by the ClinGen RASopathy Variant Curation Expert Panel: PS3_Supporting, PS4_Supporting, PM2_Supporting, PP3 (Specification Version 2.3, 1/10/2025).

Clinical Genetics Laboratory, University Hospital Schleswig-Holstein
Classification: Uncertain significance for Noonan syndrome 4. Last evaluated: 2022-02-01. Review status: flagged submission. Collection method: clinical testing. Allele origin: germline. Affected: yes. Not counted in ClinVar's aggregate classification.
ClinVar note: Reason: Conflicts with expert reviewed submission without evidence to support different classification

GeneDx
Classification: Uncertain significance. Last evaluated: 2019-07-16. Review status: flagged submission. Criteria: GeneDx Variant Classification Process June 2021. Collection method: clinical testing. Allele origin: germline. Affected: yes. Not counted in ClinVar's aggregate classification.
Comment: Not observed in large population cohorts (Lek et al., 2016); The majority of missense variants in this gene are considered pathogenic (Stenson et al., 2014); In silico analysis, which includes protein predictors and evolutionary conservation, supports a deleterious effect; Has not been previously published as pathogenic or benign to our knowledge
ClinVar note: Reason: Conflicts with expert reviewed submission without evidence to support different classification